The following is an entry in ClinVar:

NM_000179.3(MSH6):c.2023G>T (p.Glu675Ter)

Gene: MSH6 (mutS homolog 6; plus strand). Cytogenetic location: 2p16.3.
Variant type: single nucleotide variant.
Coding change: c.2023G>T on transcript NM_000179.3 (MANE Select); coding-DNA position 2023, G replaced by T.
Protein change: p.Glu675Ter; replaces glutamic acid 675 with a stop codon.
Molecular consequence: nonsense.
Genome position (GRCh38, 1-based): chr2:47,800,006, G>T. VCF-style: chr2-47800006-G-T. GRCh37 (hg19) VCF-style: chr2-48027145-G-T.
Other names: c.1633G>T, p.Glu545Ter (NM_001281492.2); c.1117G>T, p.Glu373Ter (NM_001281493.2, NM_001281494.2, NM_001406811.1 and 6 more transcripts); c.2119G>T, p.Glu707Ter (NM_001406795.1, NM_001406802.1); c.2023G>T, p.Glu675Ter (NM_001406796.1, NM_001406798.1, NM_001406800.1 and 3 more transcripts); c.1726G>T, p.Glu576Ter (NM_001406797.1, NM_001406801.1, NM_001406805.1 and 10 more transcripts); c.1498G>T, p.Glu500Ter (NM_001406799.1, NM_001406806.1, NM_001406807.1); c.1945G>T, p.Glu649Ter (NM_001406804.1); c.2029G>T, p.Glu677Ter (NM_001406813.1); and 1 more; short protein forms E545*, E649*, E677*, E373*, E576*, E675*, E707*, E500*.
Identifiers: ClinVar variation 1784614 (VCV001784614.2), dbSNP rs878853713, ClinGen allele CA346750705.
Genomic context (GRCh38, chr2:47,800,006, plus strand): 5'-TTACCCCAGGTGCTTAAAGGTATGACTTCAGAGTCTGATTCCATTGGGTTGACACCAGGA[G>T]AGAAAAGTGAATTGGCCCTCTCTGCTCTAGGTGGTTGTGTCTTCTACCTCAAAAAATGCC-3'

ClinVar aggregate classification (germline): Pathogenic (1 of 4 stars; one submission).

Conditions:
Hereditary cancer-predisposing syndrome. Also called: Neoplastic Syndromes, Hereditary; Tumor predisposition; Hereditary Cancer Syndrome; Hereditary neoplastic syndrome. Identifiers: Orphanet 140162, MedGen C0027672, MeSH D009386, MONDO:0015356.

Submission:

Ambry Genetics
Classification: Pathogenic for Hereditary cancer-predisposing syndrome. Last evaluated: 2019-07-24. Review status: criteria provided, single submitter. Criteria: Ambry Variant Classification Scheme 2023. Collection method: clinical testing. Allele origin: germline.
Comment: The p.E675* pathogenic mutation (also known as c.2023G>T), located in coding exon 4 of the MSH6 gene, results from a G to T substitution at nucleotide position 2023. This changes the amino acid from a glutamic acid to a stop codon within coding exon 4. This alteration is expected to result in loss of function by premature protein truncation or nonsense-mediated mRNA decay. As such, this alteration is interpreted as a disease-causing mutation.